The following is an entry in ClinVar:

ClinVar aggregate classification (germline): Uncertain significance. Review status: criteria provided, multiple submitters, no conflicts (2 of 4 stars). 2 submissions from 2 submitters: Uncertain significance (2). Last evaluated 2023-03-07.

Conditions:
Inborn genetic diseases. Identifiers: MedGen C0950123, MeSH D030342.

Allele frequency attached by ClinVar (database versions not stated): ExAC 0.00003; ESP Exome Variant Server 0.00015.
gnomAD v4.1: 29 of 1,613,154 alleles (0.0018%); highest among the groups gnomAD compares: African/African-American, 0.036%; no homozygotes.

Submissions (2):

Ambry Genetics
Classification: Uncertain significance for Inborn genetic diseases. Last evaluated: 2023-03-07. Review status: criteria provided, single submitter. Criteria: Ambry Variant Classification Scheme 2023. Collection method: clinical testing. Allele origin: germline.

Labcorp Genetics (formerly Invitae), Labcorp
Classification: Uncertain significance. Last evaluated: 2022-04-28. Review status: criteria provided, single submitter. Criteria: Invitae Variant Classification Sherloc (09022015). Collection method: clinical testing. Allele origin: germline.
Comment: This sequence change replaces asparagine, which is neutral and polar, with tyrosine, which is neutral and polar, at codon 1558 of the TTC37 protein (p.Asn1558Tyr). This variant is present in population databases (rs370309268, gnomAD 0.03%). This variant has not been reported in the literature in individuals affected with TTC37-related conditions. Algorithms developed to predict the effect of missense changes on protein structure and function are either unavailable or do not agree on the potential impact of this missense change (SIFT: "Deleterious"; PolyPhen-2: "Benign"; Align-GVGD: "Class C0"). In summary, the available evidence is currently insufficient to determine the role of this variant in disease. Therefore, it has been classified as a Variant of Uncertain Significance.

NM_014639.4(SKIC3):c.4672A>T (p.Asn1558Tyr)

Gene: SKIC3 (SKI3 subunit of superkiller complex; minus strand). Cytogenetic location: 5q15.
Variant type: single nucleotide variant.
Coding change: c.4672A>T on transcript NM_014639.4 (MANE Select); coding-DNA position 4672, A replaced by T.
Protein change: p.Asn1558Tyr; replaces asparagine 1558 with tyrosine.
Molecular consequence: missense variant.
Genome position (GRCh38, 1-based): chr5:95,464,630, T>A on the plus strand (A>T on the coding strand, the complement: SKIC3 is on the minus strand). VCF-style: chr5-95464630-T-A. GRCh37 (hg19) VCF-style: chr5-94800334-T-A.
Other names: short protein forms N1558Y.
Identifiers: ClinVar variation 2172156 (VCV002172156.3), dbSNP rs370309268, ClinGen allele CA3346319.